The following is an entry in ClinVar:

ClinVar aggregate classification (germline): Benign/Likely benign. Review status: criteria provided, multiple submitters, no conflicts (2 of 4 stars). 3 submissions from 3 submitters: Benign (1); Likely benign (2). Last evaluated 2026-02-03.

Conditions:
Inborn genetic diseases. Identifiers: MedGen C0950123, MeSH D030342.
Early-infantile DEE. Also called: Ohtahara syndrome; Early infantile epileptic encephalopathy; Early infantile epileptic encephalopathy with suppression bursts. Identifiers: Orphanet 1934, MedGen C0393706, MONDO:0800491.

Allele frequency attached by ClinVar (database versions not stated): TOPMed 0.00010; gnomAD exomes 0.00002 and 0.00010; gnomAD 0.00007; ExAC 0.00009.
gnomAD v4.1: 42 of 1,607,678 alleles (0.0026%); highest among the groups gnomAD compares: Admixed American, 0.069%; no homozygotes.

Submissions (3):

Labcorp Genetics (formerly Invitae), Labcorp
Classification: Likely benign for Early-infantile DEE. Last evaluated: 2026-02-03. Review status: criteria provided, single submitter. Criteria: Invitae Variant Classification Sherloc (09022015). Collection method: clinical testing. Allele origin: germline.

Ambry Genetics
Classification: Likely benign for Inborn genetic diseases. Last evaluated: 2019-06-28. Review status: criteria provided, single submitter. Criteria: Ambry Variant Classification Scheme 2023. Collection method: clinical testing. Allele origin: germline.

GeneDx
Classification: Benign. Last evaluated: 2015-01-08. Review status: criteria provided, single submitter. Criteria: GeneDx Variant Classification (06012015). Collection method: clinical testing. Allele origin: germline. Affected: yes.
Comment: This variant is considered likely benign or benign based on one or more of the following criteria: it is a conservative change, it occurs at a poorly conserved position in the protein, it is predicted to be benign by multiple in silico algorithms, and/or has population frequency not consistent with disease.

NM_001165963.4(SCN1A):c.4317T>C (p.Tyr1439=)

Genes: SCN1A (sodium voltage-gated channel alpha subunit 1; minus strand), LOC102724058 (uncharacterized LOC102724058; plus strand). Cytogenetic location: 2q24.3.
Variant type: single nucleotide variant.
Coding change: c.4317T>C on transcript NM_001165963.4 (MANE Select); coding-DNA position 4317, T replaced by C.
Protein change: p.Tyr1439=; no amino-acid change (tyrosine 1439 retained).
Molecular consequence: synonymous variant. On other transcripts: non-coding transcript variant (1).
Genome position (GRCh38, 1-based): chr2:165,999,744, A>G on the plus strand (T>C on the coding strand, the complement: SCN1A is on the minus strand). VCF-style: chr2-165999744-A-G. GRCh37 (hg19) VCF-style: chr2-166856254-A-G.
Other names: p.Y1439Y:TAT>TAC; c.4233T>C, p.Tyr1411= (NM_001165964.3, NM_001353957.2, NM_001353958.2); c.4317T>C, p.Tyr1439= (NM_001202435.3, NM_001353948.2); c.4284T>C, p.Tyr1428= (NM_001353949.2, NM_001353950.2, NM_001353951.2 and 2 more transcripts); c.4281T>C, p.Tyr1427= (NM_001353954.2, NM_001353955.2); c.4230T>C, p.Tyr1410= (NM_001353960.2); c.1875T>C, p.Tyr625= (NM_001353961.2).
Identifiers: ClinVar variation 206730 (VCV000206730.12), dbSNP rs758014915, ClinGen allele CA317100.
Genomic context (GRCh38, chr2:165,999,744, plus strand): 5'-CAATATTGTAAAAAGACTTAGAATACAAGGAATACTTACATTTCTGGAATCAACTGCTGC[A>G]TACATTATATCCATCCATCCTTTGAATGTGGCCTATTAAGAAGGACATGCATGTTTTACT-3'
Protein context (NP_001159435.1, residues 1429-1449): ATFKGWMDIM[Tyr1439=]AAVDSRNVEL